The following is an entry in ClinVar:

ClinVar aggregate classification (germline): Uncertain significance (1 of 4 stars; one submission).

Submission:

GeneDx
Classification: Uncertain significance. Last evaluated: 2023-01-22. Review status: criteria provided, single submitter. Criteria: GeneDx Variant Classification Process June 2021. Collection method: clinical testing. Allele origin: germline. Affected: yes.
Comment: Frameshift variant predicted to result in protein truncation or nonsense mediated decay in a gene for which loss of function is a known mechanism of disease; Has not been previously published as pathogenic or benign to our knowledge

NM_152328.5(ADSS1):c.247del (p.His83fs)

Gene: ADSS1 (adenylosuccinate synthase 1; plus strand). Cytogenetic location: 14q32.33.
Variant type: Deletion.
Coding change: c.247del on transcript NM_152328.5 (MANE Select); coding-DNA position 247, one base deleted (C; older notation c.247delC).
Protein change: p.His83fs; shifts the reading frame from histidine 83.
Molecular consequence: frameshift variant. On other transcripts: 5 prime UTR variant (1).
Genome position (GRCh38, 1-based): chr14:104,735,074, C deleted; the last of 2 consecutive C bases (chr14:104,735,073-104,735,074); deleting either gives the same sequence. VCF-style (leftmost placement, unchanged base first): chr14-104735072-TC-T. GRCh37 (hg19) VCF-style: chr14-105201409-TC-T.
Other names: c.-352del (NM_001320424.1); c.376del, p.His126fs (NM_199165.2); short protein forms H126fs, H83fs.
Identifiers: ClinVar variation 2573873 (VCV002573873.1), dbSNP rs768661926, ClinGen allele CA7373561.